The following is an entry in ClinVar:

NM_194293.4(XIRP1):c.5489C>T (p.Thr1830Met)

Gene: XIRP1 (xin actin binding repeat containing 1; minus strand). Cytogenetic location: 3p22.2.
Variant type: single nucleotide variant.
Coding change: c.5489C>T on transcript NM_194293.4 (MANE Select); coding-DNA position 5489, C replaced by T.
Protein change: p.Thr1830Met; replaces threonine 1830 with methionine.
Molecular consequence: missense variant. On other transcripts: 3 prime UTR variant (1).
Genome position (GRCh38, 1-based): chr3:39,183,957, G>A on the plus strand (C>T on the coding strand, the complement: XIRP1 is on the minus strand). VCF-style: chr3-39183957-G-A. GRCh37 (hg19) VCF-style: chr3-39225448-G-A.
Other names: c.*1696C>T (NM_001198621.4); c.1538C>T, p.Thr513Met (NM_001351377.2); short protein forms T1830M, T513M.
Identifiers: ClinVar variation 3046259 (VCV003046259.2), dbSNP rs142746395, ClinGen allele CA2325634.

ClinVar aggregate classification (germline): Likely benign (0 of 4 stars; one submission).

Conditions:
XIRP1-related disorder. Also called: XIRP1-related condition.

Allele frequency attached by ClinVar (database versions not stated): ESP Exome Variant Server 0.00008; gnomAD exomes 0.00020; gnomAD 0.00033; TOPMed 0.00034; 1000 Genomes Project 30x 0.00156; 1000 Genomes Project 0.00180.

Submission:

PreventionGenetics, part of Exact Sciences
Classification: Likely benign for XIRP1-related condition. Last evaluated: 2023-02-21. Review status: no assertion criteria provided. Collection method: clinical testing. Allele origin: germline.
Comment: This variant is classified as likely benign based on ACMG/AMP sequence variant interpretation guidelines (Richards et al. 2015 PMID: 25741868, with internal and published modifications).